The following is an entry in ClinVar:

NM_033400.3(ZFHX2):c.6930C>T (p.Ser2310=)

Genes: THTPA (thiamine triphosphatase; plus strand), ZFHX2 (zinc finger homeobox 2; minus strand). Cytogenetic location: 14q11.2.
Variant type: single nucleotide variant.
Coding change: c.6930C>T on transcript NM_033400.3 (MANE Select); coding-DNA position 6930, C replaced by T.
Protein change: p.Ser2310=; no amino-acid change (serine 2310 retained).
Molecular consequence: synonymous variant.
Genome position (GRCh38, 1-based): chr14:23,522,751, G>A on the plus strand (C>T on the coding strand, the complement: ZFHX2 is on the minus strand). VCF-style: chr14-23522751-G-A. GRCh37 (hg19) VCF-style: chr14-23991960-G-A.
Identifiers: ClinVar variation 3052932 (VCV003052932.2), dbSNP rs770776260, ClinGen allele CA257791819.
Genomic context (GRCh38, chr14:23,522,751, plus strand): 5'-GAGGTTCTTGAGGGCATCATTGGAGGAGCTGGTGGGGCCTGCAACTGGCTTTCGCTCACT[G>A]GAGACCTTGTCCCCCAAGGGCTCAGTAGGAGGGCCTGGGACAGGGTCAGTGGTGCCTGCT-3'
Protein context (NP_207646.2, residues 2300-2320): PPTEPLGDKV[Ser2310=]SERKPVAGPT

ClinVar aggregate classification (germline): Likely benign (0 of 4 stars; one submission).

Conditions:
ZFHX2-related disorder. Also called: ZFHX2-related condition.

Allele frequency attached by ClinVar (database versions not stated): TOPMed 0.00004; gnomAD 0.00005; gnomAD exomes 0.00014.
gnomAD v4.1: 204 of 1,536,372 alleles (0.013%); highest among the groups gnomAD compares: Non-Finnish European, 0.016%; no homozygotes.

Submission:

PreventionGenetics, part of Exact Sciences
Classification: Likely benign for ZFHX2-related condition. Last evaluated: 2019-08-30. Review status: no assertion criteria provided. Collection method: clinical testing. Allele origin: germline.
Comment: This variant is classified as likely benign based on ACMG/AMP sequence variant interpretation guidelines (Richards et al. 2015 PMID: 25741868, with internal and published modifications).